The following is an entry in ClinVar:

NM_002202.3(ISL1):c.197A>T (p.Tyr66Phe)

Gene: ISL1 (ISL LIM homeobox 1; plus strand). Cytogenetic location: 5q11.1.
Variant type: single nucleotide variant.
Coding change: c.197A>T on transcript NM_002202.3 (MANE Select); coding-DNA position 197, A replaced by T.
Protein change: p.Tyr66Phe; replaces tyrosine 66 with phenylalanine.
Molecular consequence: missense variant.
Genome position (GRCh38, 1-based): chr5:51,384,709, A>T. VCF-style: chr5-51384709-A-T. GRCh37 (hg19) VCF-style: chr5-50680543-A-T.
Other names: short protein forms Y66F.
Identifiers: ClinVar variation 4984644 (VCV004984644.1).

ClinVar aggregate classification (germline): Uncertain significance (1 of 4 stars; one submission).

Conditions:
ISL1-related disorder. Also called: ISL1-related condition.

Submission:

PreventionGenetics, part of Exact Sciences
Classification: Uncertain significance for ISL1-related condition. Last evaluated: 2026-06-18. Review status: criteria provided, single submitter. Criteria: ACMG Guidelines, 2015. Collection method: clinical testing. Allele origin: germline.
Comment: The ISL1 c.197A>T variant is predicted to result in the amino acid substitution p.Tyr66Phe. To our knowledge, this variant has not been reported in the literature. This variant is reported in 0.0062% of alleles in individuals of European (Non-Finnish) descent in gnomAD. At this time, the clinical significance of this variant is uncertain due to the absence of conclusive functional and genetic evidence.